The following is an entry in ClinVar:

NM_172351.3(CD46):c.403G>C (p.Gly135Arg)

Gene: CD46 (CD46 molecule; plus strand). Cytogenetic location: 1q32.2.
Variant type: single nucleotide variant.
Coding change: c.403G>C on transcript NM_172351.3 (MANE Select); coding-DNA position 403, G replaced by C.
Protein change: p.Gly135Arg; replaces glycine 135 with arginine.
Molecular consequence: missense variant.
Genome position (GRCh38, 1-based): chr1:207,759,652, G>C. VCF-style: chr1-207759652-G-C. GRCh37 (hg19) VCF-style: chr1-207932997-G-C.
Other names: c.403G>C, p.Gly135Arg (NM_002389.4, NM_153826.4, NM_172350.3 and 8 more transcripts); short protein forms G135R.
Identifiers: ClinVar variation 4291268 (VCV004291268.1).

ClinVar aggregate classification (germline): Uncertain significance (1 of 4 stars; one submission).

Conditions:
Atypical hemolytic-uremic syndrome. Identifiers: Orphanet 2134, MedGen C2931788, MONDO:0016244.

Submission:

Genomenon, Inc
Classification: Uncertain significance for Atypical hemolytic-uremic syndrome. Last evaluated: 2025-10-02. Review status: criteria provided, single submitter. Criteria: Genomenon Sequence Variant Interpretation Standards. Collection method: curation. Allele origin: germline. Affected: yes.
Comment: CD46 p.Gly135Arg (c.403G>C) is a missense variant that changes the amino acid at residue 135 from Glycine to Arginine. This variant has been observed in at least one proband affected with atypical hemolytic-uremic syndrome (PMID:31945341). Functional studies have been reported; however, the significance of the findings remain unclear (PMID:31945341). It is absent or not present at a significant frequency in gnomAD. In conclusion, we classify CD46 p.Gly135Arg (c.403G>C) as a variant of uncertain significance.

Literature cited by the submitters: PubMed 31945341.